The following is an entry in ClinVar:

NM_022841.7(RFX7):c.4358A>G (p.His1453Arg)

Gene: RFX7 (regulatory factor X7; minus strand). Cytogenetic location: 15q21.3.
Variant type: single nucleotide variant.
Coding change: c.4358A>G on transcript NM_022841.7 (MANE Select); coding-DNA position 4358, A replaced by G.
Protein change: p.His1453Arg; replaces histidine 1453 with arginine.
Molecular consequence: missense variant. On other transcripts: intron variant (1).
Genome position (GRCh38, 1-based): chr15:56,093,370, T>C on the plus strand (A>G on the coding strand, the complement: RFX7 is on the minus strand). VCF-style: chr15-56093370-T-C. GRCh37 (hg19) VCF-style: chr15-56385568-T-C.
Other names: c.4067A>G, p.His1356Arg (NM_001368073.2, NM_001368074.1); c.4358A>G, p.His1453Arg (NM_001370561.1); c.3804+263A>G (NM_001370554.1); short protein forms H1356R, H1453R.
Identifiers: ClinVar variation 4532332 (VCV004532332.1).
Genomic context (GRCh38, chr15:56,093,370, plus strand): 5'-TTAGATACAGTGTGCTACATGTTATAAAACACAATTTAACCCAACATTTCAACAGTAGGA[T>C]GGTCCTTGCTTTCTATCCATTCAAAACCTGATGAAGTCATAGAATTCATGGATTCACTGC-3'
Protein context (NP_073752.6, residues 1443-1460): SGFEWIESKD[His1453Arg]PTVEMLG

ClinVar aggregate classification (germline): Uncertain significance (1 of 4 stars; one submission).

Submission:

GeneDx
Classification: Uncertain significance. Last evaluated: 2025-05-29. Review status: criteria provided, single submitter. Criteria: GeneDx Variant Classification Process June 2021. Collection method: clinical testing. Allele origin: germline. Affected: yes.
Comment: Reported as a de novo variant in a large cohort of patients with autism spectrum disorder; however, patient-specific clinical information was not provided (PMID: 25363768); Not observed at significant frequency in large population cohorts (gnomAD); In silico analysis suggests that this missense variant does not alter protein structure/function; This variant is associated with the following publications: (PMID: 28191890, 28714951, 34011629, 35982160, 35982159, 25363768)